The following is an entry in ClinVar:

ClinVar aggregate classification (germline): Conflicting classifications of pathogenicity. Review status: criteria provided, conflicting classifications (1 of 4 stars). 4 submissions from 4 submitters: Uncertain significance (3); Likely benign (1). Last evaluated 2025-06-09.

Conditions:
Osteogenesis imperfecta type 10 (OI10). Also called: OI, TYPE X. Identifiers: Orphanet 666, MedGen C3151211, MONDO:0013459, OMIM 613848.
Osteogenesis imperfecta (OI). Identifiers: Orphanet 666, MedGen C0029434, MeSH D010013, MONDO:0019019.

Allele frequency attached by ClinVar (database versions not stated): gnomAD 0.00006; TOPMed 0.00008; gnomAD exomes 0.00043; 1000 Genomes Project 30x 0.00047; ExAC 0.00057; 1000 Genomes Project 0.00060.
gnomAD v4.1: 373 of 1,613,942 alleles (0.023%); highest among the groups gnomAD compares: South Asian, 0.3%; 3 homozygotes.

Submissions (4):

Mayo Clinic Laboratories, Mayo Clinic
Classification: Likely benign. Last evaluated: 2025-06-09. Review status: criteria provided, single submitter. Criteria: ACMG Guidelines, 2015. Collection method: clinical testing. Allele origin: germline. Observed: 1 variant allele.
Comment: BS1, BP4

Genome Diagnostics Laboratory, The Hospital for Sick Children
Classification: Uncertain significance for Osteogenesis imperfecta. Last evaluated: 2021-06-25. Review status: criteria provided, single submitter. Criteria: ACMG Guidelines, 2015. Collection method: clinical testing. Allele origin: germline.

Illumina Laboratory Services, Illumina
Classification: Uncertain significance for Osteogenesis imperfecta type 10. Last evaluated: 2018-01-12. Review status: criteria provided, single submitter. Criteria: ICSL Variant Classification Criteria 13 December 2019. Collection method: clinical testing. Allele origin: germline.

Eurofins Ntd Llc (ga)
Classification: Uncertain significance. Last evaluated: 2017-06-28. Review status: criteria provided, single submitter. Criteria: EGL Classification Definitions 2015. Collection method: clinical testing. Allele origin: germline. Observed: 1 variant allele, 1 heterozygote.

NM_001235.5(SERPINH1):c.*4C>G

Gene: SERPINH1 (serpin family H member 1; plus strand). Cytogenetic location: 11q13.5.
Variant type: single nucleotide variant.
Coding change: c.*4C>G on transcript NM_001235.5 (MANE Select); 4 bases downstream of the stop codon, C replaced by G.
Molecular consequence: 3 prime UTR variant.
Genome position (GRCh38, 1-based): chr11:75,572,087, C>G. VCF-style: chr11-75572087-C-G. GRCh37 (hg19) VCF-style: chr11-75283132-C-G.
Other names: c.*4C>G (NM_001235.4, NM_001207014.3).
Identifiers: ClinVar variation 306114 (VCV000306114.13), dbSNP rs550152153, ClinGen allele CA6191063.